The following is an entry in ClinVar:

ClinVar aggregate classification (germline): Uncertain significance (1 of 4 stars; one submission).

Submission:

Labcorp Genetics (formerly Invitae), Labcorp
Classification: Uncertain significance. Last evaluated: 2020-10-09. Review status: criteria provided, single submitter. Criteria: Invitae Variant Classification Sherloc (09022015). Collection method: clinical testing. Allele origin: germline.
Comment: This sequence change falls in intron 5 of the MERTK gene. It does not directly change the encoded amino acid sequence of the MERTK protein, but it affects a nucleotide within the consensus splice site of the intron. This variant is not present in population databases (ExAC no frequency). This variant has not been reported in the literature in individuals with MERTK-related conditions. Nucleotide substitutions within the consensus splice site are a relatively common cause of aberrant splicing (PMID: 17576681, 9536098). Algorithms developed to predict the effect of sequence changes on RNA splicing suggest that this variant may disrupt the consensus splice site, but this prediction has not been confirmed by published transcriptional studies. In summary, the available evidence is currently insufficient to determine the role of this variant in disease. Therefore, it has been classified as a Variant of Uncertain Significance.

Literature cited by the submitters: PubMed 17576681; PubMed 9536098.

NM_006343.3(MERTK):c.844+5G>A

Gene: MERTK (MER proto-oncogene, tyrosine kinase; plus strand). Cytogenetic location: 2q13.
Variant type: single nucleotide variant.
Coding change: c.844+5G>A on transcript NM_006343.3 (MANE Select); 5 bases into the intron after coding-DNA position 844, G replaced by A.
Molecular consequence: intron variant.
Genome position (GRCh38, 1-based): chr2:111,965,282, G>A. VCF-style: chr2-111965282-G-A. GRCh37 (hg19) VCF-style: chr2-112722859-G-A.
Identifiers: ClinVar variation 1008072 (VCV001008072.6), dbSNP rs1573605841, ClinGen allele CA1279554767.